The following is an entry in ClinVar:

ClinVar aggregate classification (germline): Pathogenic (1 of 4 stars; one submission).

Conditions:
Fanconi anemia (FA). Also called: Fanconi's anemia. Identifiers: Orphanet 84, MedGen C0015625, MeSH D005199, MONDO:0019391.

Submission:

Labcorp Genetics (formerly Invitae), Labcorp
Classification: Pathogenic for Fanconi anemia. Last evaluated: 2022-06-03. Review status: criteria provided, single submitter. Criteria: Invitae Variant Classification Sherloc (09022015). Collection method: clinical testing. Allele origin: germline.
Comment: This variant is not present in population databases (gnomAD no frequency). This sequence change creates a premature translational stop signal (p.Ser1617*) in the SLX4 gene. It is expected to result in an absent or disrupted protein product. Loss-of-function variants in SLX4 are known to be pathogenic (PMID: 21240277). This variant has not been reported in the literature in individuals affected with SLX4-related conditions. For these reasons, this variant has been classified as Pathogenic.

Literature cited by the submitters: PubMed 21240277.

NM_032444.4(SLX4):c.4850C>G (p.Ser1617Ter)

Gene: SLX4 (SLX4 structure-specific endonuclease subunit; minus strand). Cytogenetic location: 16p13.3.
Variant type: single nucleotide variant.
Coding change: c.4850C>G on transcript NM_032444.4 (MANE Select); coding-DNA position 4850, C replaced by G.
Protein change: p.Ser1617Ter; replaces serine 1617 with a stop codon.
Molecular consequence: nonsense.
Genome position (GRCh38, 1-based): chr16:3,583,400, G>C on the plus strand (C>G on the coding strand, the complement: SLX4 is on the minus strand). VCF-style: chr16-3583400-G-C. GRCh37 (hg19) VCF-style: chr16-3633401-G-C.
Other names: short protein forms S1617*.
Identifiers: ClinVar variation 2002224 (VCV002002224.4), dbSNP rs2548207397, ClinGen allele CA394515241.